The following is an entry in ClinVar:

ClinVar aggregate classification (germline): Uncertain significance (1 of 4 stars; one submission).

Submission:

GeneDx
Classification: Uncertain significance. Last evaluated: 2019-04-10. Review status: criteria provided, single submitter. Criteria: GeneDx Variant Classification Process June 2021. Collection method: clinical testing. Allele origin: germline. Affected: yes.
Comment: Not observed in large population cohorts (Lek et al., 2016); In silico analysis, which includes protein predictors and evolutionary conservation, supports a deleterious effect; Has not been previously published as pathogenic or benign to our knowledge

NM_004667.6(HERC2):c.9937C>G (p.Arg3313Gly)

Gene: HERC2 (HECT and RLD domain containing E3 ubiquitin protein ligase 2; minus strand). Cytogenetic location: 15q13.1.
Variant type: single nucleotide variant.
Coding change: c.9937C>G on transcript NM_004667.6 (MANE Select); coding-DNA position 9937, C replaced by G.
Protein change: p.Arg3313Gly; replaces arginine 3313 with glycine.
Molecular consequence: missense variant.
Genome position (GRCh38, 1-based): chr15:28,174,515, G>C on the plus strand (C>G on the coding strand, the complement: HERC2 is on the minus strand). VCF-style: chr15-28174515-G-C. GRCh37 (hg19) VCF-style: chr15-28419661-G-C.
Other names: short protein forms R3313G.
Identifiers: ClinVar variation 1320887 (VCV001320887.2), dbSNP rs552730343, ClinGen allele CA391381292.